The following is an entry in ClinVar:

ClinVar aggregate classification (germline): Uncertain significance (1 of 4 stars; one submission).

gnomAD v4.1: 9 of 1,613,790 alleles (0.00056%); highest among the groups gnomAD compares: East Asian, 0.0022%; no homozygotes.

Submission:

Labcorp Genetics (formerly Invitae), Labcorp
Classification: Uncertain significance. Last evaluated: 2025-06-07. Review status: criteria provided, single submitter. Criteria: Invitae Variant Classification Sherloc (09022015). Collection method: clinical testing. Allele origin: germline.
Comment: This sequence change replaces isoleucine, which is neutral and non-polar, with valine, which is neutral and non-polar, at codon 615 of the INTU protein (p.Ile615Val). This variant is not present in population databases (gnomAD no frequency). This variant has not been reported in the literature in individuals affected with INTU-related conditions. Invitae Evidence Modeling of protein sequence and biophysical properties (such as structural, functional, and spatial information, amino acid conservation, physicochemical variation, residue mobility, and thermodynamic stability) indicates that this missense variant is not expected to disrupt INTU protein function with a negative predictive value of 80%. In summary, the available evidence is currently insufficient to determine the role of this variant in disease. Therefore, it has been classified as a Variant of Uncertain Significance.

NM_015693.4(INTU):c.1843A>G (p.Ile615Val)

Gene: INTU (inturned planar cell polarity protein; plus strand). Cytogenetic location: 4q28.1.
Variant type: single nucleotide variant.
Coding change: c.1843A>G on transcript NM_015693.4 (MANE Select); coding-DNA position 1843, A replaced by G.
Protein change: p.Ile615Val; replaces isoleucine 615 with valine.
Molecular consequence: missense variant.
Genome position (GRCh38, 1-based): chr4:127,706,541, A>G. VCF-style: chr4-127706541-A-G. GRCh37 (hg19) VCF-style: chr4-128627696-A-G.
Other names: short protein forms I615V.
Identifiers: ClinVar variation 4708098 (VCV004708098.1).